The following is an entry in ClinVar:

GRCh37/hg19 2q12.3-13(chr2:108499809-110504318)x1

Genes: RANBP2 (RAN binding protein 2; plus strand), RGPD4 (RANBP2 like and GRIP domain containing 4; plus strand), SEPTIN10 (septin 10; minus strand), GCC2 (GRIP and coiled-coil domain containing 2; plus strand), LIMS1 (LIM zinc finger domain containing 1; plus strand) and 7 more. Cytogenetic location: 2q12.3-13.
Variant type: copy number loss.
Change: copy number 1 (one copy instead of two) of chr2:108,499,809-110,504,318 (2.00 Mb, GRCh37 coordinates, 1-based), cytogenetic band 2q12.3-13.
Identifiers: ClinVar variation 814292 (VCV000814292.3).

ClinVar aggregate classification (germline): Likely pathogenic (1 of 4 stars; one submission).

Submission:

Quest Diagnostics Nichols Institute San Juan Capistrano
Classification: Likely pathogenic. Last evaluated: 2024-10-04. Review status: criteria provided, single submitter. Criteria: ACMG/ClinGen CNV Guidelines, 2019. Collection method: clinical testing. Allele origin: unknown.
Comment: Deletion of this region of 2q12.3q13 is a rare but recurrent abnormality . Similar deletions have been identified in individuals with variable phenotypes (Dittwald 2013, Huynh 2021, Aarabi 2022). Familial cases have been reported, with inheritance in some instances from an unaffected parent, suggesting reduced penetrance and variable expressivity. A few patients with the 2q12.3q13 deletion are reported to show mild features of ectodermal dysplasia (Griggs 2009, Hyuhn 2021). There are several partially overlapping deletions of this region reported in the general population in the Database of Genomic Variants; however, these common deletions do not overlap proposed candidate genes (including RANBP2 and EDAR) in this region. Based on the current medical literature, this copy number variant is interpreted as likely pathogenic with evidence for reduced penetrance and variable expressivity. References: Aarabi, et al., Psychiatr Genet 2022 Oct 1;32(5):171-177 PMID: 35837682 Dittwald et al., Genome Res. 2013 Sep;23(9):1395-409. PMID: 23657883 Griggs et al., Eur J Hum Genet. 2009 Jan;17(1):30-6. PMID: 18854857 Huynh et al., Neurogenetics. 2021 Jul;22(3):195-206. PMID: 34132911